The following is an entry in ClinVar:

ClinVar aggregate classification (germline): Pathogenic (1 of 4 stars; one submission).

Conditions:
Hereditary cancer-predisposing syndrome. Also called: Hereditary Cancer Syndrome; Hereditary neoplastic syndrome; Neoplastic Syndromes, Hereditary; Tumor predisposition. Identifiers: Orphanet 140162, MedGen C0027672, MeSH D009386, MONDO:0015356.

Submission:

Ambry Genetics
Classification: Pathogenic for Hereditary cancer-predisposing syndrome. Last evaluated: 2020-02-14. Review status: criteria provided, single submitter. Criteria: Ambry Variant Classification Scheme 2023. Collection method: clinical testing. Allele origin: germline.
Comment: The c.5554delC pathogenic mutation, located in coding exon 36 of the ATM gene, results from a deletion of one nucleotide at nucleotide position 5554, causing a translational frameshift with a predicted alternate stop codon (p.Q1852Kfs*65). This alteration is expected to result in loss of function by premature protein truncation or nonsense-mediated mRNA decay. As such, this alteration is interpreted as a disease-causing mutation.

NM_000051.4(ATM):c.5554del (p.Gln1852fs)

Gene: ATM (ATM serine/threonine kinase; plus strand). Cytogenetic location: 11q22.3.
Variant type: Deletion.
Coding change: c.5554del on transcript NM_000051.4 (MANE Select); coding-DNA position 5554, one base deleted (C; older notation c.5554delC).
Protein change: p.Gln1852fs; shifts the reading frame from glutamine 1852.
Molecular consequence: frameshift variant.
Genome position (GRCh38, 1-based): chr11:108,304,732, C deleted; the last of 2 consecutive C bases (chr11:108,304,731-108,304,732); deleting either gives the same sequence. VCF-style (leftmost placement, unchanged base first): chr11-108304730-TC-T. GRCh37 (hg19) VCF-style: chr11-108175457-TC-T.
Other names: c.5554del, p.Gln1852fs (NM_001351834.2); short protein forms Q1852fs.
Identifiers: ClinVar variation 1748252 (VCV001748252.2), dbSNP rs1555107356, ClinGen allele CA2534349650.
Genomic context (GRCh38, chr11:108,304,730, plus strand): 5'-TCTAGGTGAAAACTGACTTTTGTCAGACTGTACTTCCATACTTGATTCATGATATTTTAC[TC>T]CAAGATACAAATGAATCATGGAGAAATCTGCTTTCTACACATGTTCAGGGATTTTTCACC-3'